The following is an entry in ClinVar:

ClinVar aggregate classification (germline): Uncertain significance (1 of 4 stars; one submission).

Allele frequency attached by ClinVar (database versions not stated): gnomAD exomes below 0.00001; ExAC 0.00002.
gnomAD v4.1: 4 of 1,614,166 alleles (0.00025%); highest among the groups gnomAD compares: Non-Finnish European, 0.000085%; no homozygotes.

Submission:

Labcorp Genetics (formerly Invitae), Labcorp
Classification: Uncertain significance. Last evaluated: 2022-08-09. Review status: criteria provided, single submitter. Criteria: Invitae Variant Classification Sherloc (09022015). Collection method: clinical testing. Allele origin: germline.
Comment: This sequence change replaces glutamic acid, which is acidic and polar, with lysine, which is basic and polar, at codon 173 of the IDH3A protein (p.Glu173Lys). This variant is present in population databases (rs776562210, gnomAD 0.01%). This variant has not been reported in the literature in individuals affected with IDH3A-related conditions. Algorithms developed to predict the effect of missense changes on protein structure and function (SIFT, PolyPhen-2, Align-GVGD) all suggest that this variant is likely to be tolerated. In summary, the available evidence is currently insufficient to determine the role of this variant in disease. Therefore, it has been classified as a Variant of Uncertain Significance.

NM_005530.3(IDH3A):c.517G>A (p.Glu173Lys)

Gene: IDH3A (isocitrate dehydrogenase (NAD(+)) 3 catalytic subunit alpha; plus strand). Cytogenetic location: 15q25.1.
Variant type: single nucleotide variant.
Coding change: c.517G>A on transcript NM_005530.3 (MANE Select); coding-DNA position 517, G replaced by A.
Protein change: p.Glu173Lys; replaces glutamic acid 173 with lysine.
Molecular consequence: missense variant.
Genome position (GRCh38, 1-based): chr15:78,162,273, G>A. VCF-style: chr15-78162273-G-A. GRCh37 (hg19) VCF-style: chr15-78454615-G-A.
Other names: short protein forms E173K.
Identifiers: ClinVar variation 1714783 (VCV001714783.3), dbSNP rs776562210, ClinGen allele CA7680592.